The following is an entry in ClinVar:

NM_001037333.3(CYFIP2):c.3064C>A (p.Leu1022Ile)

Genes: CYFIP2 (cytoplasmic FMR1 interacting protein 2; plus strand), NIPAL4-DT (NIPAL4 divergent transcript; minus strand). Cytogenetic location: 5q33.3.
Variant type: single nucleotide variant.
Coding change: c.3064C>A on transcript NM_001037333.3 (MANE Select); coding-DNA position 3064, C replaced by A.
Protein change: p.Leu1022Ile; replaces leucine 1022 with isoleucine.
Molecular consequence: missense variant.
Genome position (GRCh38, 1-based): chr5:157,382,614, C>A. VCF-style: chr5-157382614-C-A. GRCh37 (hg19) VCF-style: chr5-156809622-C-A.
Other names: c.2986C>A, p.Leu996Ile (NM_001291721.2); c.3139C>A, p.Leu1047Ile (NM_001291722.2); c.3064C>A, p.Leu1022Ile (NM_014376.4); short protein forms L1022I, L996I, L1047I.
Identifiers: ClinVar variation 2052295 (VCV002052295.4), dbSNP rs2532690380, ClinGen allele CA361980791.

ClinVar aggregate classification (germline): Uncertain significance (1 of 4 stars; one submission).

Submission:

Labcorp Genetics (formerly Invitae), Labcorp
Classification: Uncertain significance. Last evaluated: 2022-07-19. Review status: criteria provided, single submitter. Criteria: Invitae Variant Classification Sherloc (09022015). Collection method: clinical testing. Allele origin: germline.
Comment: This variant has not been reported in the literature in individuals affected with CYFIP2-related conditions. Algorithms developed to predict the effect of missense changes on protein structure and function are either unavailable or do not agree on the potential impact of this missense change (SIFT: "Tolerated"; PolyPhen-2: "Not Available"; Align-GVGD: "Class C0"). In summary, the available evidence is currently insufficient to determine the role of this variant in disease. Therefore, it has been classified as a Variant of Uncertain Significance. This variant is not present in population databases (gnomAD no frequency). This sequence change replaces leucine, which is neutral and non-polar, with isoleucine, which is neutral and non-polar, at codon 1022 of the CYFIP2 protein (p.Leu1022Ile).